The following is an entry in ClinVar:

ClinVar aggregate classification (germline): Conflicting classifications of pathogenicity. Review status: criteria provided, conflicting classifications (1 of 4 stars). 4 submissions from 4 submitters: Uncertain significance (1); Likely benign (2). 1 of the submissions does not count toward it. Last evaluated 2026-02-01.

Conditions:
Alagille syndrome due to a JAG1 point mutation. Also called: Alagille Syndrome 1; HEPATIC DUCTULAR HYPOPLASIA, SYNDROMATIC; JAG1-Related Alagille Syndrome. Identifiers: Orphanet 261619, Orphanet 52, MedGen C1956125, MONDO:0016862, OMIM 118450.
JAG1-related disorder. Also called: JAG1-related condition; JAG1-related disorders.
Charcot-Marie-Tooth disease, axonal, Type 2HH. Also called: CHARCOT-MARIE-TOOTH NEUROPATHY, TYPE 2HH. Identifiers: MedGen C5562003, MONDO:0030458, OMIM 619574.
Tetralogy of Fallot (TOF). Identifiers: Orphanet 3303, MedGen C0039685, MONDO:0008542, OMIM 187500, HP:0001636.
Deafness, congenital heart defects, and posterior embryotoxon (DCHE). Identifiers: MedGen C1866053, MONDO:0060713, OMIM 617992.

Allele frequency attached by ClinVar (database versions not stated): gnomAD 0.00004; ExAC 0.00005; gnomAD exomes 0.00006; ESP Exome Variant Server 0.00008; 1000 Genomes Project 0.00020; 1000 Genomes Project 30x 0.00031.

Submissions (4):

Labcorp Genetics (formerly Invitae), Labcorp
Classification: Likely benign for Alagille syndrome due to a JAG1 point mutation. Last evaluated: 2026-02-01. Review status: criteria provided, single submitter. Criteria: Invitae Variant Classification Sherloc (09022015). Collection method: clinical testing. Allele origin: germline.

Fulgent Genetics
Classification: Uncertain significance for Alagille syndrome due to a JAG1 point mutation; Tetralogy of Fallot; Deafness, congenital heart defects, and posterior embryotoxon; Charcot-Marie-Tooth disease, axonal, Type 2HH. Last evaluated: 2024-04-14. Review status: criteria provided, single submitter. Criteria: ACMG Guidelines, 2015. Collection method: clinical testing. Allele origin: germline.

Blueprint Genetics
Classification: Likely benign. Last evaluated: 2022-03-06. Review status: criteria provided, single submitter. Criteria: ACMG Guidelines, 2015. Collection method: clinical testing. Allele origin: germline.

PreventionGenetics, part of Exact Sciences
Classification: Uncertain significance for JAG1-related condition. Last evaluated: 2023-11-22. Review status: no assertion criteria provided. Collection method: clinical testing. Allele origin: germline. Not counted in ClinVar's aggregate classification.
Comment: The JAG1 c.3398C>T variant is predicted to result in the amino acid substitution p.Thr1133Met. This variant was reported in a study of patients with congenital hypothyroidism (Supplementary Table 4, Yamaguchi et al. 2020. PubMed ID: 32459320). This variant is reported in 0.035% of alleles in individuals of East Asian descent in gnomAD, which is more common than expected for a pathogenic variant for an autosomal dominant disorder. Although we suspect this variant may be benign, at this time its clinical significance is uncertain due to the absence of conclusive functional and genetic evidence.

NM_000214.3(JAG1):c.3398C>T (p.Thr1133Met)

Gene: JAG1 (jagged canonical Notch ligand 1; minus strand). Cytogenetic location: 20p12.2.
Variant type: single nucleotide variant.
Coding change: c.3398C>T on transcript NM_000214.3 (MANE Select); coding-DNA position 3398, C replaced by T.
Protein change: p.Thr1133Met; replaces threonine 1133 with methionine.
Molecular consequence: missense variant.
Genome position (GRCh38, 1-based): chr20:10,639,757, G>A on the plus strand (C>T on the coding strand, the complement: JAG1 is on the minus strand). VCF-style: chr20-10639757-G-A. GRCh37 (hg19) VCF-style: chr20-10620405-G-A.
Other names: c.3398C>T (NM_000214.2); short protein forms T1133M.
Identifiers: ClinVar variation 1062934 (VCV001062934.12), dbSNP rs373260040, ClinGen allele CA9764211.